The following is an entry in ClinVar:

NM_012123.4(MTO1):c.593G>C (p.Arg198Thr)

Gene: MTO1 (mitochondrial tRNA translation optimization 1; plus strand). Cytogenetic location: 6q13.
Variant type: single nucleotide variant.
Coding change: c.593G>C on transcript NM_012123.4 (MANE Select); coding-DNA position 593, G replaced by C.
Protein change: p.Arg198Thr; replaces arginine 198 with threonine.
Molecular consequence: missense variant.
Genome position (GRCh38, 1-based): chr6:73,473,422, G>C. VCF-style: chr6-73473422-G-C. GRCh37 (hg19) VCF-style: chr6-74183145-G-C.
Other names: c.593G>C, p.Arg198Thr (NM_001123226.2, NM_133645.3); c.593G>C (NM_001123226.1); short protein forms R198T.
Identifiers: ClinVar variation 559216 (VCV000559216.9), dbSNP rs139496338, ClinGen allele CA3889403.

ClinVar aggregate classification (germline): Uncertain significance. Review status: criteria provided, multiple submitters, no conflicts (2 of 4 stars). 4 submissions from 4 submitters: Uncertain significance (3). 1 of the submissions does not count toward it. Last evaluated 2025-10-21.

Conditions:
Inborn genetic diseases. Identifiers: MedGen C0950123, MeSH D030342.
Mitochondrial hypertrophic cardiomyopathy with lactic acidosis due to MTO1 deficiency. Also called: CARDIOMYOPATHY, INFANTILE HYPERTROPHIC MITOCHONDRIAL, AND LACTIC ACIDOSIS; Combined oxidative phosphorylation deficiency 10. Identifiers: Orphanet 314637, MedGen C4749921, MONDO:0013865, OMIM 614702.

Allele frequency attached by ClinVar (database versions not stated): gnomAD 0.00004 and 0.00005; TOPMed 0.00004; ESP Exome Variant Server 0.00015; ExAC 0.00004; gnomAD exomes 0.00005 and 0.00002.
gnomAD v4.1: 75 of 1,614,066 alleles (0.0046%); highest among the groups gnomAD compares: Non-Finnish European, 0.0061%; no homozygotes.

Submissions (4):

Ambry Genetics
Classification: Uncertain significance for Inborn genetic diseases. Last evaluated: 2025-10-21. Review status: criteria provided, single submitter. Criteria: Ambry Variant Classification Scheme 2023. Collection method: clinical testing. Allele origin: germline.

GeneDx
Classification: Uncertain significance. Last evaluated: 2024-12-26. Review status: criteria provided, single submitter. Criteria: GeneDx Variant Classification Process June 2021. Collection method: clinical testing. Allele origin: germline. Affected: yes.
Comment: Not observed at significant frequency in large population cohorts (gnomAD); In silico analysis supports that this missense variant has a deleterious effect on protein structure/function; Has not been previously published as pathogenic or benign to our knowledge

Labcorp Genetics (formerly Invitae), Labcorp
Classification: Uncertain significance for Mitochondrial hypertrophic cardiomyopathy with lactic acidosis due to MTO1 deficiency. Last evaluated: 2022-07-19. Review status: criteria provided, single submitter. Criteria: Invitae Variant Classification Sherloc (09022015). Collection method: clinical testing. Allele origin: germline.
Comment: This sequence change replaces arginine, which is basic and polar, with threonine, which is neutral and polar, at codon 198 of the MTO1 protein (p.Arg198Thr). This variant is present in population databases (rs139496338, gnomAD 0.007%). This variant has not been reported in the literature in individuals affected with MTO1-related conditions. ClinVar contains an entry for this variant (Variation ID: 559216). Algorithms developed to predict the effect of missense changes on protein structure and function (SIFT, PolyPhen-2, Align-GVGD) all suggest that this variant is likely to be tolerated. In summary, the available evidence is currently insufficient to determine the role of this variant in disease. Therefore, it has been classified as a Variant of Uncertain Significance.

Mayo Clinic Laboratories, Mayo Clinic
Classification: Uncertain significance. Last evaluated: 2016-02-23. Review status: no assertion criteria provided. Collection method: clinical testing. Allele origin: unknown. Not counted in ClinVar's aggregate classification.